The following is an entry in ClinVar:

ClinVar aggregate classification (germline): Uncertain significance (1 of 4 stars; one submission).

Conditions:
Welander distal myopathy (WDM). Also called: Gower's muscular dystrophy; MUSCULAR DYSTROPHY, DISTAL, LATE-ONSET, AUTOSOMAL DOMINANT; Welander distal myopathy, Swedish type; Distal myopathy, Swedish type. Identifiers: Orphanet 603, MedGen C0221054, MONDO:0011466, OMIM 604454.

Submission:

Labcorp Genetics (formerly Invitae), Labcorp
Classification: Uncertain significance for Welander distal myopathy. Last evaluated: 2022-11-04. Review status: criteria provided, single submitter. Criteria: Invitae Variant Classification Sherloc (09022015). Collection method: clinical testing. Allele origin: germline.
Comment: In summary, the available evidence is currently insufficient to determine the role of this variant in disease. Therefore, it has been classified as a Variant of Uncertain Significance. Advanced modeling of protein sequence and biophysical properties (such as structural, functional, and spatial information, amino acid conservation, physicochemical variation, residue mobility, and thermodynamic stability) performed at Invitae indicates that this missense variant is not expected to disrupt TIA1 protein function. ClinVar contains an entry for this variant (Variation ID: 1363922). This variant has not been reported in the literature in individuals affected with TIA1-related conditions. This variant is not present in population databases (gnomAD no frequency). This sequence change replaces lysine, which is basic and polar, with threonine, which is neutral and polar, at codon 145 of the TIA1 protein (p.Lys145Thr).

NM_022173.4(TIA1):c.434A>C (p.Lys145Thr)

Gene: TIA1 (TIA1 cytotoxic granule associated RNA binding protein; minus strand). Cytogenetic location: 2p13.3.
Variant type: single nucleotide variant.
Coding change: c.434A>C on transcript NM_022173.4 (MANE Select); coding-DNA position 434, A replaced by C.
Protein change: p.Lys145Thr; replaces lysine 145 with threonine.
Molecular consequence: missense variant. On other transcripts: 3 prime UTR variant (2), non-coding transcript variant (17).
Genome position (GRCh38, 1-based): chr2:70,224,594, T>G on the plus strand (A>C on the coding strand, the complement: TIA1 is on the minus strand). VCF-style: chr2-70224594-T-G. GRCh37 (hg19) VCF-style: chr2-70451726-T-G.
Other names: c.434A>C, p.Lys145Thr (NM_001351508.2, NM_001351516.2, NM_001351518.2 and 1 more transcripts); c.407A>C, p.Lys136Thr (NM_001351509.2); c.401A>C, p.Lys134Thr (NM_001351510.2, NM_001351521.2, NM_022037.4); c.323A>C, p.Lys108Thr (NM_001351511.1); c.296A>C, p.Lys99Thr (NM_001351512.1); c.290A>C, p.Lys97Thr (NM_001351513.1); c.206A>C, p.Lys69Thr (NM_001351514.2, NM_001351523.2); c.131A>C, p.Lys44Thr (NM_001351515.2); and 3 more; short protein forms K5T, K99T, K108T, K134T, K44T, K136T, K145T, K69T.
Identifiers: ClinVar variation 1363922 (VCV001363922.6), dbSNP rs2104292945, ClinGen allele CA347155664.